The following is an entry in ClinVar:

NM_001370259.2(MEN1):c.758C>T (p.Ser253Leu)

Gene: MEN1 (menin 1; minus strand). Cytogenetic location: 11q13.1.
Variant type: single nucleotide variant.
Coding change: c.758C>T on transcript NM_001370259.2 (MANE Select); coding-DNA position 758, C replaced by T.
Protein change: p.Ser253Leu; replaces serine 253 with leucine.
Molecular consequence: missense variant.
Genome position (GRCh38, 1-based): chr11:64,807,577, G>A on the plus strand (C>T on the coding strand, the complement: MEN1 is on the minus strand). VCF-style: chr11-64807577-G-A. GRCh37 (hg19) VCF-style: chr11-64575049-G-A.
Other names: c.773C>T, p.Ser258Leu (NM_000244.4, NM_130800.3, NM_130801.3 and 3 more transcripts); c.758C>T, p.Ser253Leu (NM_001370251.2, NM_001370260.2, NM_001370261.2 and 1 more transcripts); c.653C>T, p.Ser218Leu (NM_001370262.2, NM_001370263.2); short protein forms S253L, S258L, S218L.
Identifiers: ClinVar variation 201012 (VCV000201012.29), dbSNP rs386134259, ClinGen allele CA009601.
Genomic context (GRCh38, chr11:64,807,577, plus strand): 5'-CTAGCCCAGTCCTGCCCCATTGGCTCAGCCCTCACCTGCTGCAGCTGCAGAAGCTCCAGC[G>A]AGTCGGTGTGCAGGTCAATGGAAGGGTTGATGGCACACACCATGAACGCCACCTCCATCT-3'
Protein context (NP_001357188.2, residues 243-263): INPSIDLHTD[Ser253Leu]LELLQLQQKL

ClinVar aggregate classification (germline): Conflicting classifications of pathogenicity. Review status: criteria provided, conflicting classifications (1 of 4 stars). 12 submissions from 12 submitters: Pathogenic (5); Likely pathogenic (6); Uncertain significance (1). Last evaluated 2026-03-06.

Conditions:
MEN1-related disorder. Also called: MEN1-related condition.
Multiple endocrine neoplasia, type 1 (MEN1). Also called: MEN I; WERMER SYNDROME; Endocrine adenomatosis multiple; MEN 1; MEA I. Identifiers: Orphanet 652, MedGen C0025267, MeSH D018761, MONDO:0007540, OMIM 131100.
Hereditary cancer-predisposing syndrome. Also called: Neoplastic Syndromes, Hereditary; Tumor predisposition; Hereditary Cancer Syndrome; Hereditary neoplastic syndrome. Identifiers: Orphanet 140162, MedGen C0027672, MeSH D009386, MONDO:0015356.

Allele frequency attached by ClinVar (database versions not stated): gnomAD exomes below 0.00001; TOPMed below 0.00001.
gnomAD v4.1: 4 of 1,614,164 alleles (0.00025%); highest among the groups gnomAD compares: Non-Finnish European, 0.00034%; no homozygotes.

Submissions (12):

Women's Health and Genetics/Laboratory Corporation of America, LabCorp
Classification: Pathogenic for Multiple endocrine neoplasia, type 1. Last evaluated: 2026-03-06. Review status: criteria provided, single submitter. Criteria: LabCorp Variant Classification Summary - May 2015. Collection method: clinical testing. Allele origin: germline.
Comment: Variant summary: MEN1 c.758C>T (p.Ser253Leu) results in a non-conservative amino acid change in the encoded protein sequence. Algorithms developed to predict the effect of missense changes on protein structure and function all suggest that this variant is likely to be disruptive. The variant was absent in 251260 control chromosomes (gnomAD). c.758C>T has been observed in multiple individuals affected with features of Multiple Endocrine Neoplasia Type 1 (e.g. Tham_2007, Christakis_2018, Raj_2018, Tsoy_2025). These data indicate that the variant is very likely to be associated with disease. A different variant affecting the same codon has been classified as likely pathogenic by our lab (c.757T>C, p.Ser253Pro), supporting the critical relevance of codon 253 to MEN1 protein function. The following publications have been ascertained in the context of this evaluation (PMID: 17623761, 29122330, 39536727, 30687805). ClinVar contains an entry for this variant (Variation ID: 201012). Based on the evidence outlined above, the variant was classified as pathogenic.

Labcorp Genetics (formerly Invitae), Labcorp
Classification: Pathogenic for Multiple endocrine neoplasia, type 1. Last evaluated: 2025-12-26. Review status: criteria provided, single submitter. Criteria: Invitae Variant Classification Sherloc (09022015). Collection method: clinical testing. Allele origin: germline.
Comment: This sequence change replaces serine, which is neutral and polar, with leucine, which is neutral and non-polar, at codon 253 of the MEN1 protein (p.Ser253Leu). This variant is not present in population databases (gnomAD no frequency). This missense change has been observed in individuals with clinical features of multiple endocrine neoplasia type 1 (PMID: 17623761, 20660572; internal data). Invitae Evidence Modeling of clinical and family history, age, sex, and reported ancestry of multiple individuals with this MEN1 variant has been performed. This variant is expected to be pathogenic with a positive predictive value of at least 99%. This is a validated machine learning model that incorporates the clinical features of 1,366,787 individuals referred to our laboratory for MEN1 testing. ClinVar contains an entry for this variant (Variation ID: 201012). Invitae Evidence Modeling of protein sequence and biophysical properties (such as structural, functional, and spatial information, amino acid conservation, physicochemical variation, residue mobility, and thermodynamic stability) indicates that this missense variant is expected to disrupt MEN1 protein function with a positive predictive value of 95%. Experimental studies have shown that this missense change affects MEN1 function (PMID: 21819486). For these reasons, this variant has been classified as Pathogenic.

Color Diagnostics, LLC DBA Color Health
Classification: Likely pathogenic for Multiple endocrine neoplasia, type 1. Last evaluated: 2025-09-22. Review status: criteria provided, single submitter. Criteria: ACMG Guidelines, 2015. Collection method: clinical testing. Allele origin: germline.
Comment: This missense variant replaces serine with leucine at codon 253 of the MEN1 protein. Computational prediction suggests that this variant may have deleterious impact on protein structure and function. A functional study has shown this variant reduces MEN1 protein stability (PMID: 21819486). This variant has been reported in at least two individuals affected with neuroendocrine tumors and additional families affected with other clinical features of multiple endocrine neoplasia type 1 (PMID: 17623761, 20660572, 39536727ClinVar: SCV000579696.6, SCV000541209.9). This variant has not been identified in the general population by the Genome Aggregation Database (gnomAD). A different variant occurring at the same codon, c.758C>G (p.Ser253Trp), is reported to be pathogenic (ClinVar variation ID: 403831), indicating that serine at this position is important for MEN1 protein function. Based on the available evidence, this variant is classified as Likely Pathogenic.

Ambry Genetics
Classification: Pathogenic for Hereditary cancer-predisposing syndrome. Last evaluated: 2025-08-21. Review status: criteria provided, single submitter. Criteria: Ambry Variant Classification Scheme 2023. Collection method: clinical testing. Allele origin: germline.
Comment: The p.S253L pathogenic mutation (also known as c.758C>T), located in coding exon 3 of the MEN1 gene, results from a C to T substitution at nucleotide position 758. The serine at codon 253 is replaced by leucine, an amino acid with dissimilar properties. This variant was reported in individual(s) with features consistent with multiple endocrine neoplasia type 1 (MEN1) (Tham E et al. J Clin Endocrinol Metab. 2007 Sep;92(9):3389-95; Potorac I et al. Annales d'Endocrinologie 2015 Sept;76(4) 486; Tsoy UA et al. Neuroendocrinology, 2025 Nov;115:381-401; Ambry internal data). Based on internal structural analysis, this alteration is anticipated to destabilize the structure of menin (Murai MJ et al. J. Biol. Chem., 2011 Sep;286:31742-8; Huang J et al. Nature, 2012 Feb;482:542-6). This amino acid position is highly conserved in available vertebrate species. In addition, this alteration is predicted to be deleterious by in silico analysis. This variant is considered to be rare based on population cohorts in the Genome Aggregation Database (gnomAD). Based on the supporting evidence, this variant is interpreted as a disease-causing mutation.

GeneDx
Classification: Pathogenic. Last evaluated: 2025-06-30. Review status: criteria provided, single submitter. Criteria: GeneDx Variant Classification Process June 2021. Collection method: clinical testing. Allele origin: germline. Affected: yes.
Comment: Published functional studies demonstrate a damaging effect: decreased protein expression and stability (PMID: 21819486); Observed in individuals with MEN1-related tumors referred for testing at GeneDx and in published literature (PMID: 17623761, 20660572, 30687805, 35586626); In silico analysis supports that this missense variant has a deleterious effect on protein structure/function; Not observed at significant frequency in large population cohorts (gnomAD); Also known as c.868C>T; p.S258L; This variant is associated with the following publications: (PMID: 10931084, 17623761, 17065424, 17879353, 20660572, 24265153, 26269718, 30687805, 30869828, 12874027, 21819486, 35586626, 37484956)

Molecular Pathology, Peter Maccallum Cancer Centre
Classification: Likely pathogenic for Multiple endocrine neoplasia, type 1. Last evaluated: 2025-01-17. Review status: criteria provided, single submitter. Criteria: ACMG Guidelines, 2015. Collection method: clinical testing. Allele origin: germline. Inheritance: Autosomal dominant inheritance.

All of Us Research Program, National Institutes of Health
Classification: Likely pathogenic for Multiple endocrine neoplasia, type 1. Last evaluated: 2024-07-29. Review status: criteria provided, single submitter. Criteria: ACMG Guidelines, 2015. Collection method: clinical testing. Allele origin: germline. Inheritance: Autosomal dominant inheritance. Observed: 1 variant allele, 1 heterozygote.
Comment: This missense variant replaces serine with leucine at codon 253 of the MEN1 protein. Computational prediction suggests that this variant may have deleterious impact on protein structure and function (internally defined REVEL score threshold >= 0.7, PMID: 27666373). A functional study has shown this variant reduces MEN1 protein stability (PMID: 21819486). This variant has been reported in families and individuals with clinical features of multiple endocrine neoplasia type 1 (PMID: 17623761, 20660572, ClinVar: SCV000579696.6, SCV000541209.9). This variant has not been identified in the general population by the Genome Aggregation Database (gnomAD). A different variant occurring at the same codon, c.758C>G (p.Ser253Trp), is reported to be pathogenic (ClinVar variation ID: 403831), indicating that serine at this position is important for MEN1 protein function. Based on the available evidence, this variant is classified as Likely Pathogenic.

This study involves interpretation of variants in research participants for the purpose of population health screening. Participant phenotype was not available at the time of variant classification. Additional details can be found in publication PMID: 35346344, PMCID: PMC8962531

Laboratory of Molecular and Cytogenetics, Department of Anatomy, All India Institute of Medical Sciences (AIIMS)
Classification: Pathogenic for Multiple endocrine neoplasia, type 1. Last evaluated: 2023-04-10. Review status: criteria provided, single submitter. Criteria: ACMG Guidelines, 2015. Collection method: clinical testing. Allele origin: germline. Affected: yes. Observed: 1 variant allele.

Baylor Genetics
Classification: Likely pathogenic for Multiple Endocrine Neoplasia Type 1. Last evaluated: 2022-09-30. Review status: criteria provided, single submitter. Criteria: ACMG Guidelines, 2015. Collection method: clinical testing. Allele origin: unknown.

MGZ Medical Genetics Center
Classification: Uncertain significance for Multiple endocrine neoplasia, type 1. Last evaluated: 2022-02-21. Review status: criteria provided, single submitter. Criteria: ACMG Guidelines, 2015. Collection method: clinical testing. Allele origin: germline. Affected: yes. Observed: 1 variant allele.
Comment: ACMG criteria applied: PS4_MOD, PM2_SUP, PP2, PP3

Blueprint Genetics
Classification: Likely pathogenic for MEN1-related disorders. Last evaluated: 2020-04-28. Review status: criteria provided, single submitter. Criteria: ACMG Guidelines, 2015. Collection method: clinical testing. Allele origin: germline. Affected: yes. Observed: 1 variant allele.

Juno Genomics, Hangzhou Juno Genomics, Inc
Classification: Likely pathogenic for Multiple endocrine neoplasia, type 1. Review status: criteria provided, single submitter. Criteria: ACMG Guidelines, 2015. Collection method: clinical testing. Allele origin: germline.
Comment: Absent from controls (or at extremely low frequency if recessive) in Genome Aggregation Database.;Missense variant in a gene that has a low rate of benign missense variation.;Multiple lines of computational evidence support a deleterious effect on the gene or gene product.;The prevalence of the variant in affected individuals is significantly increased compared to the prevalence in controls.;Patient's phenotype or family history is highly specific for a disease with a single genetic etiology.

Literature cited by the submitters: PubMed 17623761 (cited by 4 submitters); PubMed 29122330 (cited by Women's Health and Genetics/Laboratory Corporation of America, LabCorp); PubMed 39536727 (cited by 3 submitters); PubMed 30687805 (cited by Women's Health and Genetics/Laboratory Corporation of America, LabCorp); PubMed 20660572 (cited by 4 submitters); PubMed 21819486 (cited by 4 submitters); PubMed 21757704 (cited by Ambry Genetics); PubMed 22327296 (cited by Ambry Genetics); PubMed 30869828 (cited by Ambry Genetics); PubMed 31737856 (cited by Ambry Genetics).